The following is an entry in ClinVar:

ClinVar aggregate classification (germline): Conflicting classifications of pathogenicity. Review status: criteria provided, conflicting classifications (1 of 4 stars). 8 submissions from 8 submitters: Uncertain significance (1); Benign (1); Likely benign (6). Last evaluated 2026-05-24.

Conditions:
TTN-related disorder. Also called: TTN-related disorders; TTN-related condition; TTN-related disease.
Autosomal recessive limb-girdle muscular dystrophy type 2J (LGMDR10). Also called: Limb-girdle muscular dystrophy, type 2J; MUSCULAR DYSTROPHY, LIMB-GIRDLE, AUTOSOMAL RECESSIVE 10. Identifiers: Orphanet 140922, MedGen C1837342, MONDO:0012127, OMIM 608807.
Dilated cardiomyopathy 1G (CMD1G). Identifiers: Orphanet 154, MedGen C1858763, MONDO:0011400, OMIM 604145.
Cardiovascular phenotype. Identifiers: MedGen CN230736.

Allele frequency attached by ClinVar (database versions not stated): ExAC 0.00003; gnomAD exomes 0.00004; gnomAD 0.00013; ESP Exome Variant Server 0.00016; TOPMed 0.00022; 1000 Genomes Project 0.00040; 1000 Genomes Project 30x 0.00062.
gnomAD v4.1: 52 of 1,611,680 alleles (0.0032%); highest among the groups gnomAD compares: African/African-American, 0.063%; no homozygotes.

Submissions (8):

Women's Health and Genetics/Laboratory Corporation of America, LabCorp
Classification: Likely benign. Last evaluated: 2026-05-24. Review status: criteria provided, single submitter. Criteria: LabCorp Variant Classification Summary - May 2015. Collection method: clinical testing. Allele origin: germline.

Labcorp Genetics (formerly Invitae), Labcorp
Classification: Likely benign for Dilated cardiomyopathy 1G; Autosomal recessive limb-girdle muscular dystrophy type 2J. Last evaluated: 2026-01-27. Review status: criteria provided, single submitter. Criteria: Invitae Variant Classification Sherloc (09022015). Collection method: clinical testing. Allele origin: germline.

PreventionGenetics, part of Exact Sciences
Classification: Likely benign for TTN-related condition. Last evaluated: 2025-06-11. Review status: criteria provided, single submitter. Criteria: ACMG Guidelines, 2015. Collection method: clinical testing. Allele origin: germline.
Comment: This variant is classified as likely benign based on ACMG/AMP sequence variant interpretation guidelines (Richards et al. 2015 PMID: 25741868, with internal and published modifications).

Ambry Genetics
Classification: Likely benign for Cardiovascular phenotype. Last evaluated: 2021-06-03. Review status: criteria provided, single submitter. Criteria: Ambry Variant Classification Scheme 2023. Collection method: clinical testing. Allele origin: germline.

Blueprint Genetics
Classification: Likely benign. Last evaluated: 2020-02-03. Review status: criteria provided, single submitter. Criteria: ACMG Guidelines, 2015. Collection method: clinical testing. Allele origin: germline.

Eurofins Ntd Llc (ga)
Classification: Uncertain significance. Last evaluated: 2017-11-21. Review status: criteria provided, single submitter. Criteria: EGL Classification Definitions 2015. Collection method: clinical testing. Allele origin: germline. Observed: 1 variant allele, 1 heterozygote.

GeneDx
Classification: Benign. Last evaluated: 2016-07-25. Review status: criteria provided, single submitter. Criteria: GeneDx Variant Classification (06012015). Collection method: clinical testing. Allele origin: germline. Affected: yes.
Comment: This variant is considered likely benign or benign based on one or more of the following criteria: it is a conservative change, it occurs at a poorly conserved position in the protein, it is predicted to be benign by multiple in silico algorithms, and/or has population frequency not consistent with disease.

Laboratory for Molecular Medicine, Mass General Brigham Personalized Medicine
Classification: Likely benign. Last evaluated: 2012-03-19. Review status: criteria provided, single submitter. Criteria: LMM Criteria. Collection method: clinical testing. Allele origin: germline. Observed: 1 variant allele.
Comment: p.Ala29130Ala in Exon 291 of TTN: This variant is not expected to have clinical significance because it does not alter an amino acid residue, is not located wit hin the splice consensus sequence. It has been identified in 0.1% (2/3264) of Af rican American chromosomes from a broad population by the NHLBI Exome Sequencing Project.

NM_001267550.2(TTN):c.95094C>T (p.Ala31698=)

Genes: TTN (titin; minus strand), TTN-AS1 (TTN antisense RNA 1; plus strand). Cytogenetic location: 2q31.2.
Variant type: single nucleotide variant.
Coding change: c.95094C>T on transcript NM_001267550.2 (MANE Select); coding-DNA position 95094, C replaced by T.
Protein change: p.Ala31698=; no amino-acid change (alanine 31698 retained).
Molecular consequence: synonymous variant.
Genome position (GRCh38, 1-based): chr2:178,546,237, G>A on the plus strand (C>T on the coding strand, the complement: TTN is on the minus strand). VCF-style: chr2-178546237-G-A. GRCh37 (hg19) VCF-style: chr2-179410964-G-A.
Other names: c.90171C>T, p.Ala30057= (NM_001256850.1); c.67899C>T, p.Ala22633= (NM_003319.4); c.87390C>T, p.Ala29130= (NM_133378.4); c.68274C>T, p.Ala22758= (NM_133432.3); c.68475C>T, p.Ala22825= (NM_133437.4).
Identifiers: ClinVar variation 380413 (VCV000380413.24), dbSNP rs373509153, ClinGen allele CA1987022.